The following is an entry in ClinVar:

ClinVar aggregate classification (germline): Uncertain significance. Review status: criteria provided, multiple submitters, no conflicts (2 of 4 stars). 2 submissions from 2 submitters: Uncertain significance (2). Last evaluated 2024-04-02.

Conditions:
Hereditary cancer-predisposing syndrome. Also called: Tumor predisposition; Hereditary neoplastic syndrome; Hereditary Cancer Syndrome; Neoplastic Syndromes, Hereditary. Identifiers: Orphanet 140162, MedGen C0027672, MeSH D009386, MONDO:0015356.

gnomAD v4.1: 1 of 1,612,428 alleles (0.000062%); highest among the groups gnomAD compares: Non-Finnish European, 0.000085%; no homozygotes.

Submissions (2):

Labcorp Genetics (formerly Invitae), Labcorp
Classification: Uncertain significance. Last evaluated: 2024-04-02. Review status: criteria provided, single submitter. Criteria: Invitae Variant Classification Sherloc (09022015). Collection method: clinical testing. Allele origin: germline.
Comment: This sequence change replaces aspartic acid, which is acidic and polar, with glutamic acid, which is acidic and polar, at codon 724 of the MSH3 protein (p.Asp724Glu). This variant is present in population databases (no rsID available, gnomAD 0.0009%). This variant has not been reported in the literature in individuals affected with MSH3-related conditions. ClinVar contains an entry for this variant (Variation ID: 935266). Algorithms developed to predict the effect of missense changes on protein structure and function output the following: SIFT: "Not Available"; PolyPhen-2: "Benign"; Align-GVGD: "Not Available". The glutamic acid amino acid residue is found in multiple mammalian species, which suggests that this missense change does not adversely affect protein function. In summary, the available evidence is currently insufficient to determine the role of this variant in disease. Therefore, it has been classified as a Variant of Uncertain Significance.

Ambry Genetics
Classification: Uncertain significance for Hereditary cancer-predisposing syndrome. Last evaluated: 2023-12-16. Review status: criteria provided, single submitter. Criteria: Ambry Variant Classification Scheme 2023. Collection method: clinical testing. Allele origin: germline.
Comment: The p.D724E variant (also known as c.2172C>G), located in coding exon 15 of the MSH3 gene, results from a C to G substitution at nucleotide position 2172. The aspartic acid at codon 724 is replaced by glutamic acid, an amino acid with highly similar properties. This amino acid position is conserved. In addition, this alteration is predicted to be tolerated by in silico analysis. Since supporting evidence is limited at this time, the clinical significance of this alteration remains unclear.

NM_002439.5(MSH3):c.2172C>G (p.Asp724Glu)

Gene: MSH3 (mutS homolog 3; plus strand). Cytogenetic location: 5q14.1.
Variant type: single nucleotide variant.
Coding change: c.2172C>G on transcript NM_002439.5 (MANE Select); coding-DNA position 2172, C replaced by G.
Protein change: p.Asp724Glu; replaces aspartic acid 724 with glutamic acid.
Molecular consequence: missense variant.
Genome position (GRCh38, 1-based): chr5:80,768,922, C>G. VCF-style: chr5-80768922-C-G. GRCh37 (hg19) VCF-style: chr5-80064741-C-G.
Other names: c.2172C>G (NM_002439.3); short protein forms D724E.
Identifiers: ClinVar variation 935266 (VCV000935266.7), dbSNP rs541680738, ClinGen allele CA360279500.